The following is an entry in ClinVar:

ClinVar aggregate classification (germline): Uncertain significance (1 of 4 stars; one submission).

Conditions:
Epidermodysplasia verruciformis. Identifiers: Orphanet 302, MedGen C0014522, MONDO:0009176.

Allele frequency attached by ClinVar (database versions not stated): gnomAD exomes below 0.00001.
gnomAD v4.1: 1 of 1,613,858 alleles (0.000062%); highest among the groups gnomAD compares: Non-Finnish European, 0.000085%; no homozygotes.

Submission:

Labcorp Genetics (formerly Invitae), Labcorp
Classification: Uncertain significance for Epidermodysplasia verruciformis. Last evaluated: 2021-05-28. Review status: criteria provided, single submitter. Criteria: Invitae Variant Classification Sherloc (09022015). Collection method: clinical testing. Allele origin: germline.
Comment: In summary, the available evidence is currently insufficient to determine the role of this variant in disease. Therefore, it has been classified as a Variant of Uncertain Significance. Nucleotide substitutions within the consensus splice site are a relatively common cause of aberrant splicing (PMID: 17576681, 9536098). Algorithms developed to predict the effect of sequence changes on RNA splicing suggest that this variant is not likely to affect RNA splicing, but this prediction has not been confirmed by published transcriptional studies. This variant has not been reported in the literature in individuals with TMC8-related conditions. This variant is not present in population databases (ExAC no frequency). This sequence change falls in intron 10 of the TMC8 gene. It does not directly change the encoded amino acid sequence of the TMC8 protein. It affects a nucleotide within the consensus splice site of the intron.

Literature cited by the submitters: PubMed 17576681; PubMed 9536098.

NM_152468.5(TMC8):c.1251+6T>C

Gene: TMC8 (transmembrane channel like 8; plus strand). Cytogenetic location: 17q25.3.
Variant type: single nucleotide variant.
Coding change: c.1251+6T>C on transcript NM_152468.5 (MANE Select); 6 bases into the intron after coding-DNA position 1251, T replaced by C.
Molecular consequence: intron variant.
Genome position (GRCh38, 1-based): chr17:78,137,364, T>C. VCF-style: chr17-78137364-T-C. GRCh37 (hg19) VCF-style: chr17-76133445-T-C.
Identifiers: ClinVar variation 1429977 (VCV001429977.4), dbSNP rs756485482, ClinGen allele CA2573154890.
Genomic context (GRCh38, chr17:78,137,364, plus strand): 5'-TGGCAGAGACAAGAGCAGCTGTGAGTCCTACGGCTACAACGTTTGTGACTATCAGGTGGC[T>C]GGCAGCCCGGCGGGGCCTGTCCCTCCCTTCCTTCTCCCCAAAAAGCTCACCTCAAACTGT-3'